The following is an entry in ClinVar:

NM_014845.6(FIG4):c.2155G>T (p.Asp719Tyr)

Gene: FIG4 (FIG4 phosphoinositide 5-phosphatase; plus strand). Cytogenetic location: 6q21.
Variant type: single nucleotide variant.
Coding change: c.2155G>T on transcript NM_014845.6 (MANE Select); coding-DNA position 2155, G replaced by T.
Protein change: p.Asp719Tyr; replaces aspartic acid 719 with tyrosine.
Molecular consequence: missense variant.
Genome position (GRCh38, 1-based): chr6:109,789,652, G>T. VCF-style: chr6-109789652-G-T. GRCh37 (hg19) VCF-style: chr6-110110855-G-T.
Other names: short protein forms D719Y.
Identifiers: ClinVar variation 1306377 (VCV001306377.4), dbSNP rs2128396850, ClinGen allele CA365232310.

ClinVar aggregate classification (germline): Uncertain significance. Review status: criteria provided, multiple submitters, no conflicts (2 of 4 stars). 2 submissions from 2 submitters: Uncertain significance (2). Last evaluated 2020-06-15.

Conditions:
Inborn genetic diseases. Identifiers: MedGen C0950123, MeSH D030342.

gnomAD v4.1: 12 of 1,613,138 alleles (0.00074%); highest among the groups gnomAD compares: Non-Finnish European, 0.001%; no homozygotes.

Submissions (2):

Ambry Genetics
Classification: Uncertain significance for Inborn genetic diseases. Last evaluated: 2020-06-15. Review status: criteria provided, single submitter. Criteria: Ambry Variant Classification Scheme 2023. Collection method: clinical testing. Allele origin: germline.
Comment: The p.D719Y variant (also known as c.2155G>T), located in coding exon 19 of the FIG4 gene, results from a G to T substitution at nucleotide position 2155. The aspartic acid at codon 719 is replaced by tyrosine, an amino acid with highly dissimilar properties. This amino acid position is well conserved in available vertebrate species. In addition, the in silico prediction for this alteration is inconclusive. Since supporting evidence is limited at this time, the clinical significance of this alteration remains unclear.

GeneDx
Classification: Uncertain significance. Last evaluated: 2020-04-02. Review status: criteria provided, single submitter. Criteria: GeneDx Variant Classification Process June 2021. Collection method: clinical testing. Allele origin: germline. Affected: yes.
Comment: Not observed in large population cohorts (Lek et al., 2016); In silico analysis supports that this missense variant has a deleterious effect on protein structure/function; Has not been previously published as pathogenic or benign to our knowledge